The following is an entry in ClinVar:

NM_024989.4(PGAP1):c.1882A>G (p.Thr628Ala)

Gene: PGAP1 (post-GPI attachment to proteins inositol deacylase 1; minus strand). Cytogenetic location: 2q33.1.
Variant type: single nucleotide variant.
Coding change: c.1882A>G on transcript NM_024989.4 (MANE Select); coding-DNA position 1882, A replaced by G.
Protein change: p.Thr628Ala; replaces threonine 628 with alanine.
Molecular consequence: missense variant.
Genome position (GRCh38, 1-based): chr2:196,848,017, T>C on the plus strand (A>G on the coding strand, the complement: PGAP1 is on the minus strand). VCF-style: chr2-196848017-T-C. GRCh37 (hg19) VCF-style: chr2-197712741-T-C.
Other names: c.1360A>G, p.Thr454Ala (NM_001321099.2); c.715A>G, p.Thr239Ala (NM_001321100.2); short protein forms T628A, T454A, T239A.
Identifiers: ClinVar variation 1028355 (VCV001028355.1), dbSNP rs1334582239, ClinGen allele CA350188090.

ClinVar aggregate classification (germline): Uncertain significance (1 of 4 stars; one submission).

Conditions:
Intellectual disability, autosomal recessive 42 (NEDDSBA). Also called: GLYCOSYLPHOSPHATIDYLINOSITOL BIOSYNTHESIS DEFECT 9; Neurodevelopmental disorder with dysmorphic features, spasticity, and brain abnormalities. Identifiers: Orphanet 88616, MedGen C4014343, MONDO:0014348, OMIM 615802.

Allele frequency attached by ClinVar (database versions not stated): gnomAD exomes below 0.00001.
gnomAD v4.1: 2 of 1,600,102 alleles (0.00012%); highest among the groups gnomAD compares: South Asian, 0.0011%; no homozygotes.

Submission:

Baylor Genetics
Classification: Uncertain significance for Intellectual disability, autosomal recessive 42. Last evaluated: 2019-03-02. Review status: criteria provided, single submitter. Criteria: ACMG Guidelines, 2015. Collection method: clinical testing. Allele origin: unknown. Affected: yes.
Comment: This variant was determined to be of uncertain significance according to ACMG Guidelines, 2015 [PMID:25741868].